The following is an entry in ClinVar:

ClinVar aggregate classification (germline): Likely pathogenic (1 of 4 stars; one submission).

Conditions:
Very long chain acyl-CoA dehydrogenase deficiency (ACADVLD). Also called: Very Long-Chain Acyl-Coenzyme A Dehydrogenase Deficiency; VLCAD Deficiency. Identifiers: Orphanet 26793, MedGen C3887523, MONDO:0008723, OMIM 201475.

Submission:

Labcorp Genetics (formerly Invitae), Labcorp
Classification: Likely pathogenic for Very long chain acyl-CoA dehydrogenase deficiency. Last evaluated: 2024-07-22. Review status: criteria provided, single submitter. Criteria: Invitae Variant Classification Sherloc (09022015). Collection method: clinical testing. Allele origin: germline.
Comment: This sequence change replaces threonine, which is neutral and polar, with isoleucine, which is neutral and non-polar, at codon 280 of the ACADVL protein (p.Thr280Ile). This variant is not present in population databases (gnomAD no frequency). This missense change has been observed in individual(s) with very long chain acyl-CoA dehydrogenase deficiency (Invitae). ClinVar contains an entry for this variant (Variation ID: 1512422). Advanced modeling of protein sequence and biophysical properties (such as structural, functional, and spatial information, amino acid conservation, physicochemical variation, residue mobility, and thermodynamic stability) performed at Invitae indicates that this missense variant is expected to disrupt ACADVL protein function with a positive predictive value of 95%. This variant disrupts the p.Thr280 amino acid residue in ACADVL. Other variant(s) that disrupt this residue have been observed in individuals with ACADVL-related conditions (PMID: 31737040), which suggests that this may be a clinically significant amino acid residue. In summary, the currently available evidence indicates that the variant is pathogenic, but additional data are needed to prove that conclusively. Therefore, this variant has been classified as Likely Pathogenic.

Literature cited by the submitters: PubMed 31737040.

NM_000018.4(ACADVL):c.839C>T (p.Thr280Ile)

Gene: ACADVL (acyl-CoA dehydrogenase very long chain; plus strand). Cytogenetic location: 17p13.1.
Variant type: single nucleotide variant.
Coding change: c.839C>T on transcript NM_000018.4 (MANE Select); coding-DNA position 839, C replaced by T.
Protein change: p.Thr280Ile; replaces threonine 280 with isoleucine.
Molecular consequence: missense variant.
Genome position (GRCh38, 1-based): chr17:7,222,263, C>T. VCF-style: chr17-7222263-C-T. GRCh37 (hg19) VCF-style: chr17-7125582-C-T.
Other names: c.773C>T, p.Thr258Ile (NM_001033859.3); c.908C>T, p.Thr303Ile (NM_001270447.2); c.611C>T, p.Thr204Ile (NM_001270448.2); short protein forms T280I, T258I, T303I, T204I.
Identifiers: ClinVar variation 1512422 (VCV001512422.8), dbSNP rs2142978093, ClinGen allele CA397723798.